The following is an entry in ClinVar:

ClinVar aggregate classification (germline): Pathogenic/Likely pathogenic. Review status: criteria provided, multiple submitters, no conflicts (2 of 4 stars). 5 submissions from 5 submitters: Pathogenic (3); Likely pathogenic (2). Last evaluated 2025-06-09.

Conditions:
ETFDH-related disorder. Also called: ETFDH-related condition.
Multiple acyl-CoA dehydrogenase deficiency (MADD). Also called: ETHYLMALONIC-ADIPICACIDURIA; GA II; Glutaric aciduria, type 2; Glutaric acidemia type II; GA 2; Glutaric Acidemia type 2. Identifiers: Orphanet 26791, MedGen C0268596, MONDO:0009282, OMIM 231680.

Submissions (5):

Labcorp Genetics (formerly Invitae), Labcorp
Classification: Pathogenic for Multiple acyl-CoA dehydrogenase deficiency. Last evaluated: 2025-06-09. Review status: criteria provided, single submitter. Criteria: Invitae Variant Classification Sherloc (09022015). Collection method: clinical testing. Allele origin: germline.
Comment: This sequence change creates a premature translational stop signal (p.Leu102Valfs*2) in the ETFDH gene. It is expected to result in an absent or disrupted protein product. Loss-of-function variants in ETFDH are known to be pathogenic (PMID: 16510302, 23785301). This variant is not present in population databases (gnomAD no frequency). This variant has not been reported in the literature in individuals affected with ETFDH-related conditions. Algorithms developed to predict the effect of sequence changes on RNA splicing suggest that this variant may disrupt the consensus splice site. For these reasons, this variant has been classified as Pathogenic.

Fulgent Genetics
Classification: Likely pathogenic for Multiple acyl-CoA dehydrogenase deficiency. Last evaluated: 2024-05-21. Review status: criteria provided, single submitter. Criteria: ACMG Guidelines, 2015. Collection method: clinical testing. Allele origin: germline.

Baylor Genetics
Classification: Pathogenic for Multiple acyl-CoA dehydrogenase deficiency. Last evaluated: 2024-03-05. Review status: criteria provided, single submitter. Criteria: ACMG Guidelines, 2015. Collection method: clinical testing. Allele origin: unknown.

PreventionGenetics, part of Exact Sciences
Classification: Likely pathogenic for ETFDH-related condition. Last evaluated: 2023-03-30. Review status: criteria provided, single submitter. Criteria: ACMG Guidelines, 2015. Collection method: clinical testing. Allele origin: germline.
Comment: The ETFDH c.302_303dupGT variant is predicted to result in a frameshift and premature protein termination (p.Leu102Valfs*2). To our knowledge, this variant has not been reported in the literature or in a large population database, indicating this variant is rare. Frameshift variants in ETFDH are expected to be pathogenic. This variant is interpreted as likely pathogenic.

GeneDx
Classification: Pathogenic. Last evaluated: 2013-10-17. Review status: criteria provided, single submitter. Criteria: GeneDx Variant Classification (06012015). Collection method: clinical testing. Allele origin: germline. Affected: yes.
Comment: The c.302_303dupGT, the normal sequence with the bases that are duplicated in braces is CGTGTGT[GT]CTAGT. The mutation causes a frameshift starting with codon Leucine 102, changes this amino acid to a Valine residue and creates a premature Stop codon at position 2 of the new reading frame, denoted p.Leu102ValfsX2. This mutation is predicted to cause loss of normal protein function through protein truncation. Although this mutation has not been previously reported to our knowledge, it is expected to be a pathogenic mutation. The variant is found in ETFDH panel(s).

Literature cited by the submitters: PubMed 16510302 (cited by Labcorp Genetics (formerly Invitae), Labcorp); PubMed 23785301 (cited by Labcorp Genetics (formerly Invitae), Labcorp).

NM_004453.4(ETFDH):c.302_303dup (p.Leu102fs)

Gene: ETFDH (electron transfer flavoprotein dehydrogenase; plus strand). Cytogenetic location: 4q32.1.
Variant type: Microsatellite.
Coding change: c.302_303dup on transcript NM_004453.4 (MANE Select); coding-DNA positions 302 to 303, 2 bases duplicated (GT; older notation c.302_303dupGT).
Protein change: p.Leu102fs; shifts the reading frame from leucine 102.
Molecular consequence: frameshift variant.
Genome position (GRCh38, 1-based): chr4:158,682,321-158,682,322, GT duplicated; duplicating any 2 consecutive bases within chr4:158,682,315-158,682,322 gives the same sequence; the c. name uses the placement nearest the transcript's 3' end. VCF-style (leftmost placement, unchanged base first): chr4-158682314-C-CGT. GRCh37 (hg19) VCF-style: chr4-159603466-C-CGT.
Other names: c.161_162dup, p.Leu55fs (NM_001281737.2); c.119_120dup, p.Leu41fs (NM_001281738.1); short protein forms L41fs, L55fs, L102fs.
Identifiers: ClinVar variation 203727 (VCV000203727.11), dbSNP rs796051962, ClinGen allele CA312552.